The following is an entry in ClinVar:

ClinVar aggregate classification (germline): Conflicting classifications of pathogenicity; other. Review status: criteria provided, conflicting classifications (1 of 4 stars). 5 submissions from 5 submitters: Uncertain significance (1); Benign (1). Last evaluated 2024-02-01.

Conditions:
Tay-Sachs disease (TSD). Also called: Hexosaminidase A Deficiency; HEXA Disorders; GM2 gangliosidosis, type 1; Hexosaminidase alpha-subunit deficiency (variant B); Sphingolipidosis, Tay-Sachs; HEXA DEFICIENCY. Identifiers: Orphanet 845, MedGen C0039373, MONDO:0010100, OMIM 272800.

Allele frequency attached by ClinVar (database versions not stated): gnomAD exomes 0.00026 and 0.00019; ESP Exome Variant Server 0.00038; gnomAD 0.00019 and 0.00021; ExAC 0.00023; TOPMed 0.00025.
gnomAD v4.1: 443 of 1,614,120 alleles (0.027%); highest among the groups gnomAD compares: East Asian, 0.067%; no homozygotes.

Submissions (5):

CeGaT Center for Human Genetics Tuebingen
Classification: Uncertain significance. Last evaluated: 2024-02-01. Review status: criteria provided, single submitter. Criteria: CeGaT Center For Human Genetics Tuebingen Variant Classification Criteria Version 2. Collection method: clinical testing. Allele origin: germline. Affected: yes. Observed: 1 variant allele.
Comment: HEXA: PM2:Supporting

Labcorp Genetics (formerly Invitae), Labcorp
Classification: other for Tay-Sachs disease. Last evaluated: 2018-12-13. Review status: criteria provided, single submitter. Criteria: Invitae Variant Classification Sherloc (09022015). Collection method: clinical testing. Allele origin: germline.

Women's Health and Genetics/Laboratory Corporation of America, LabCorp
Classification: Benign. Last evaluated: 2016-08-11. Review status: criteria provided, single submitter. Criteria: LabCorp Variant Classification Summary - May 2015. Collection method: clinical testing. Allele origin: germline.
Comment: Variant summary: The HEXA c.745C>T (p.Arg249Trp) variant causes a missense change involving a conserved nucleotide with 5/5 in silico tools predicting a damaging outcome. The variant of interest was found in the large, broad control population, ExAC, with an allele frequency of 28/121408 (1/4336), which does not exceed the estimated maximal expected allele frequency for a pathogenic HEXA variant of 1/715. The variant of interest is known to be a common pseudodeficiency allele, which is not associated with neurologic disease but is associated wtih reduced degradation of the synthetic substrate when HEX A enzymatic activity is determined (Gene Reviews). Therefore, the variant of interest is classified as Benign.

Eurofins Ntd Llc (ga)
Classification: other. Last evaluated: 2016-07-19. Review status: criteria provided, single submitter. Criteria: EGL Classification Definitions 2015. Collection method: clinical testing. Allele origin: germline. Observed: 1 variant allele, 1 heterozygote.

Laboratory for Molecular Medicine, Mass General Brigham Personalized Medicine
Classification: other for Tay-Sachs disease. Last evaluated: 2014-05-30. Review status: criteria provided, single submitter. Criteria: LMM Criteria. Collection method: clinical testing. Allele origin: germline. Observed: 1 variant allele. Study: CSER-MedSeq.

Literature cited by the submitters: PubMed 7717398 (cited by Women's Health and Genetics/Laboratory Corporation of America, LabCorp); PubMed 7902672 (cited by Women's Health and Genetics/Laboratory Corporation of America, LabCorp and Laboratory for Molecular Medicine, Mass General Brigham Personalized Medicine); PubMed 9169471 (cited by Women's Health and Genetics/Laboratory Corporation of America, LabCorp); PubMed 1384323 (cited by Laboratory for Molecular Medicine, Mass General Brigham Personalized Medicine); PubMed 24498621 (cited by Laboratory for Molecular Medicine, Mass General Brigham Personalized Medicine).

NM_000520.4(HEXA):c.745C>T (p.Arg249Trp)

Gene: HEXA (hexosaminidase subunit alpha; minus strand). Cytogenetic location: 15q23.
Variant type: single nucleotide variant.
Coding change: c.745C>T on transcript NM_000520.4; coding-DNA position 745, C replaced by T.
Protein change: p.Arg249Trp; replaces arginine 249 with tryptophan.
Molecular consequence: missense variant (on NM_000520.6). On other transcripts: non-coding transcript variant (1).
Genome position (GRCh38, 1-based): chr15:72,350,578, G>A on the plus strand (C>T on the coding strand, the complement: HEXA is on the minus strand). VCF-style: chr15-72350578-G-A. GRCh37 (hg19) VCF-style: chr15-72642919-G-A.
Other names: c.745C>T, p.Arg249Trp (NM_000520.6); c.778C>T, p.Arg260Trp (NM_001318825.2); short protein forms R249W, R260W.
Identifiers: ClinVar variation 126510 (VCV000126510.57), dbSNP rs138058578, ClinGen allele CA276005.
Genomic context (GRCh38, chr15:72,350,578, plus strand): 5'-CTGGTCCCCAGGACAAAGTGTGGCCAGGAGTGTCAAACTCTGCAAGCACACGGATACCCC[G>A]GAGCCGTGCGTATTCAATGACCTCCTTCACATCCTGTGCTGTGTAGATGTGGGTGACAGG-3'
Protein context (NP_000511.2, residues 239-259): VKEVIEYARL[Arg249Trp]GIRVLAEFDT